The following is an entry in ClinVar:

NM_001042492.3(NF1):c.1057_1062del (p.Leu353_Lys354del)

Gene: NF1 (neurofibromin 1; plus strand). Cytogenetic location: 17q11.2.
Variant type: Deletion.
Coding change: c.1057_1062del on transcript NM_001042492.3 (MANE Select); coding-DNA positions 1057 to 1062, 6 bases deleted (CTTAAG; older notation c.1057_1062delCTTAAG).
Protein change: p.Leu353_Lys354del.
Molecular consequence: inframe deletion. On other transcripts: inframe indel (1).
Genome position (GRCh38, 1-based): chr17:31,200,590-31,200,595, CTTAAG deleted. VCF-style (leftmost placement, unchanged base first): chr17-31200589-TCTTAAG-T. GRCh37 (hg19) VCF-style: chr17-29527607-TCTTAAG-T.
Other names: c.1057_1062delCTTAAG, p.Leu353_Lys354del (NM_000267.4); c.1057_1062del, p.Leu353_Lys354del (NM_001128147.3).
Identifiers: ClinVar variation 2823982 (VCV002823982.3), dbSNP rs2544794474, ClinGen allele CA2739267328.
Genomic context (GRCh38, chr17:31,200,589, plus strand): 5'-TTACATCAATTGGGAAGATAACTCTGTCATTTTCCTACTTGTTCAGTCCATGGTGGTTGA[TCTTAAG>T]GTAACATGCTTATTCTTTCTCTACTACAAACTTTAAGAAAATTAAATGAATTTTCTAGCA-3'

ClinVar aggregate classification (germline): Uncertain significance (1 of 4 stars; one submission).

Conditions:
Neurofibromatosis, type 1 (NF1). Also called: VON RECKLINGHAUSEN DISEASE; Peripheral type neurofibromatosis; Neurofibromatosis, type I; NEUROFIBROMATOSIS, TYPE I, SOMATIC. Identifiers: Orphanet 636, MedGen C0027831, MONDO:0018975, OMIM 162200. Disease mechanism: loss of function.

Submission:

Labcorp Genetics (formerly Invitae), Labcorp
Classification: Uncertain significance for Neurofibromatosis, type 1. Last evaluated: 2022-12-25. Review status: criteria provided, single submitter. Criteria: Invitae Variant Classification Sherloc (09022015). Collection method: clinical testing. Allele origin: germline.
Comment: In summary, the available evidence is currently insufficient to determine the role of this variant in disease. Therefore, it has been classified as a Variant of Uncertain Significance. Algorithms developed to predict the effect of sequence changes on RNA splicing suggest that this variant may disrupt the consensus splice site. Experimental studies and prediction algorithms are not available or were not evaluated, and the functional significance of this variant is currently unknown. This variant has not been reported in the literature in individuals affected with NF1-related conditions. This variant is not present in population databases (gnomAD no frequency). This variant, c.1057_1062del, results in the deletion of 2 amino acid(s) of the NF1 protein (p.Leu353_Lys354del), but otherwise preserves the integrity of the reading frame.